The following is an entry in ClinVar:

NM_000064.4(C3):c.2246-8C>T

Gene: C3 (complement C3; minus strand). Cytogenetic location: 19p13.3.
Variant type: single nucleotide variant.
Coding change: c.2246-8C>T on transcript NM_000064.4 (MANE Select); 8 bases into the intron before coding-DNA position 2246, C replaced by T.
Molecular consequence: intron variant.
Genome position (GRCh38, 1-based): chr19:6,702,587, G>A on the plus strand (C>T on the coding strand, the complement: C3 is on the minus strand). VCF-style: chr19-6702587-G-A. GRCh37 (hg19) VCF-style: chr19-6702598-G-A.
Other names: p.?; c.2246-8C>T (LRG_27t1).
Identifiers: ClinVar variation 330308 (VCV000330308.27), dbSNP rs406514, ClinGen allele CA9129136.

ClinVar aggregate classification (germline): Benign/Likely benign. Review status: criteria provided, multiple submitters, no conflicts (2 of 4 stars). 14 submissions from 11 submitters: Benign (11); Likely benign (1). 2 of the submissions do not count toward it. Last evaluated 2026-02-04.

Conditions:
Atypical hemolytic-uremic syndrome with C3 anomaly. Also called: AHUS, SUSCEPTIBILITY TO, 5. Identifiers: Orphanet 2134, MedGen C2752037, MONDO:0013043, OMIM 612925.
Complement component 3 deficiency. Identifiers: Orphanet 280133, MedGen C3151071, MONDO:0013417, OMIM 613779.
Age related macular degeneration 9. Identifiers: MedGen C1969651, MONDO:0012659, OMIM 611378.
Atypical hemolytic-uremic syndrome. Identifiers: Orphanet 2134, MedGen C2931788, MONDO:0016244.
C3 glomerulonephritis. Also called: C3 GLOMERULOPATHY 3; Nephropathy due to CFHR5 Deficiency. Identifiers: Orphanet 329931, MedGen C4055342, MONDO:0013892, OMIM 614809.

Allele frequency attached by ClinVar (database versions not stated): ESP Exome Variant Server 0.75496; gnomAD 0.76696 and 0.77182; gnomAD exomes 0.76853 and 0.79662; TOPMed 0.77945; ExAC 0.78878; 1000 Genomes Project 30x 0.80903; 1000 Genomes Project 0.81490.
gnomAD v4.1: 1,225,567 of 1,593,358 alleles (77%); highest among the groups gnomAD compares: East Asian, 93%; 472,856 homozygotes.

Submissions (14):

Labcorp Genetics (formerly Invitae), Labcorp
Classification: Benign. Last evaluated: 2026-02-04. Review status: criteria provided, single submitter. Criteria: Invitae Variant Classification Sherloc (09022015). Collection method: clinical testing. Allele origin: germline.

Women's Health and Genetics/Laboratory Corporation of America, LabCorp
Classification: Benign. Last evaluated: 2026-01-21. Review status: criteria provided, single submitter. Criteria: LabCorp Variant Classification Summary - May 2015. Collection method: clinical testing. Allele origin: germline.

Genomenon, Inc
Classification: Benign for Complement component 3 deficiency; C3 glomerulonephritis; Atypical hemolytic-uremic syndrome. Last evaluated: 2025-09-30. Review status: criteria provided, single submitter. Criteria: Genomenon Sequence Variant Interpretation Standards. Collection method: curation. Allele origin: germline. Affected: no.
Comment: C3 c.2246-8C>T is an intronic variant located in intron 17. This variant is present at high allele frequency in population databases. In conclusion, we classify C3 c.2246-8C>T as a benign variant.

Blueprint Genetics
Classification: Likely benign. Last evaluated: 2024-11-28. Review status: criteria provided, single submitter. Criteria: ACMG Guidelines, 2015. Collection method: clinical testing. Allele origin: germline.

Mayo Clinic Laboratories, Mayo Clinic
Classification: Benign. Last evaluated: 2022-03-10. Review status: criteria provided, single submitter. Criteria: ACMG Guidelines, 2015. Collection method: clinical testing. Allele origin: germline. Observed: 3,067 variant alleles.

Genome-Nilou Lab
Classification: Benign for Complement component 3 deficiency. Last evaluated: 2021-07-14. Review status: criteria provided, single submitter. Criteria: ACMG Guidelines, 2015. Collection method: clinical testing. Allele origin: germline. Affected: no.

Genome-Nilou Lab
Classification: Benign for Age related macular degeneration 9. Last evaluated: 2021-07-14. Review status: criteria provided, single submitter. Criteria: ACMG Guidelines, 2015. Collection method: clinical testing. Allele origin: germline. Affected: no.

GeneDx
Classification: Benign. Last evaluated: 2018-11-10. Review status: criteria provided, single submitter. Criteria: GeneDx Variant Classification Process June 2021. Collection method: clinical testing. Allele origin: germline. Affected: yes.

Illumina Laboratory Services, Illumina
Classification: Benign for Atypical hemolytic-uremic syndrome with C3 anomaly. Last evaluated: 2018-01-12. Review status: criteria provided, single submitter. Criteria: ICSL Variant Classification Criteria 13 December 2019. Collection method: clinical testing. Allele origin: germline.
Comment: This variant was observed in the ICSL laboratory as part of a predisposition screen in an ostensibly healthy population. It had not been previously curated by ICSL or reported in the Human Gene Mutation Database (HGMD: prior to June 1st, 2018), and was therefore a candidate for classification through an automated scoring system. Utilizing variant allele frequency, disease prevalence and penetrance estimates, and inheritance mode, an automated score was calculated to assess if this variant is too frequent to cause the disease. Based on the score and internal cut-off values, a variant classified as benign is not then subjected to further curation. The score for this variant resulted in a classification of benign for this disease.

Illumina Laboratory Services, Illumina
Classification: Benign for Complement component 3 deficiency. Last evaluated: 2018-01-12. Review status: criteria provided, single submitter. Criteria: ICSL Variant Classification Criteria 13 December 2019. Collection method: clinical testing. Allele origin: germline.
Comment: the same text as in the submission from Illumina Laboratory Services, Illumina above.

Illumina Laboratory Services, Illumina
Classification: Benign for Age related macular degeneration 9. Last evaluated: 2018-01-12. Review status: criteria provided, single submitter. Criteria: ICSL Variant Classification Criteria 13 December 2019. Collection method: clinical testing. Allele origin: germline.
Comment: the same text as in the submission from Illumina Laboratory Services, Illumina above.

Breakthrough Genomics
Classification: Benign. Review status: criteria provided, single submitter. Criteria: ACMG Guidelines, 2015. Collection method: not provided. Allele origin: germline. Inheritance: Autosomal recessive inheritance. Affected: yes.

Diagnostic Laboratory, Department of Genetics, University Medical Center Groningen
Classification: Benign. Review status: no assertion criteria provided. Collection method: clinical testing. Allele origin: germline. Affected: yes. Study: VKGL Data-share Consensus. Not counted in ClinVar's aggregate classification.

Joint Genome Diagnostic Labs from Nijmegen and Maastricht, Radboudumc and MUMC+
Classification: Benign. Review status: no assertion criteria provided. Collection method: clinical testing. Allele origin: germline. Affected: yes. Study: VKGL Data-share Consensus. Not counted in ClinVar's aggregate classification.